The following is an entry in ClinVar:

ClinVar aggregate classification (germline): Likely benign. Review status: criteria provided, single submitter (1 of 4 stars). 2 submissions from 2 submitters: Likely benign (1). 1 of the submissions does not count toward it. Last evaluated 2023-03-17.

Conditions:
PCNT-related disorder. Also called: PCNT-related condition.

Allele frequency attached by ClinVar (database versions not stated): TOPMed 0.00001; ESP Exome Variant Server 0.00008.
gnomAD v4.1: 19 of 1,613,812 alleles (0.0012%); highest among the groups gnomAD compares: Non-Finnish European, 0.0016%; no homozygotes.

Submissions (2):

Labcorp Genetics (formerly Invitae), Labcorp
Classification: Likely benign. Last evaluated: 2023-03-17. Review status: criteria provided, single submitter. Criteria: Invitae Variant Classification Sherloc (09022015). Collection method: clinical testing. Allele origin: germline.

PreventionGenetics, part of Exact Sciences
Classification: Likely benign for PCNT-related condition. Last evaluated: 2024-06-10. Review status: no assertion criteria provided. Collection method: clinical testing. Allele origin: germline. Not counted in ClinVar's aggregate classification.
Comment: This variant is classified as likely benign based on ACMG/AMP sequence variant interpretation guidelines (Richards et al. 2015 PMID: 25741868, with internal and published modifications).

NM_006031.6(PCNT):c.7434C>T (p.Gly2478=)

Gene: PCNT (pericentrin; plus strand). Cytogenetic location: 21q22.3.
Variant type: single nucleotide variant.
Coding change: c.7434C>T on transcript NM_006031.6 (MANE Select); coding-DNA position 7434, C replaced by T.
Protein change: p.Gly2478=; no amino-acid change (glycine 2478 retained).
Molecular consequence: synonymous variant.
Genome position (GRCh38, 1-based): chr21:46,427,735, C>T. VCF-style: chr21-46427735-C-T. GRCh37 (hg19) VCF-style: chr21-47847649-C-T.
Other names: c.7434C>T (NM_006031.5); c.7080C>T, p.Gly2360= (NM_001315529.2).
Identifiers: ClinVar variation 2868911 (VCV002868911.4), dbSNP rs371278609, ClinGen allele CA322010269.